The following is an entry in ClinVar:

ClinVar aggregate classification (germline): Uncertain significance. Review status: criteria provided, multiple submitters, no conflicts (2 of 4 stars). 3 submissions from 3 submitters: Uncertain significance (3). Last evaluated 2025-10-01.

Conditions:
Hereditary cancer-predisposing syndrome. Also called: Tumor predisposition; Hereditary neoplastic syndrome; Neoplastic Syndromes, Hereditary; Hereditary Cancer Syndrome. Identifiers: Orphanet 140162, MedGen C0027672, MeSH D009386, MONDO:0015356.
Familial adenomatous polyposis 1 (FAP1). Also called: POLYPOSIS, ADENOMATOUS INTESTINAL; FAMILIAL ADENOMATOUS POLYPOSIS 1, ATTENUATED. Identifiers: MedGen C2713442, MONDO:0021056, OMIM 175100. Disease mechanism: loss of function.

Allele frequency attached by ClinVar (database versions not stated): gnomAD exomes below 0.00001.
gnomAD v4.1: 1 of 1,613,606 alleles (0.000062%); highest among the groups gnomAD compares: Admixed American, 0.0017%; no homozygotes.

Submissions (3):

Ambry Genetics
Classification: Uncertain significance for Hereditary cancer-predisposing syndrome. Last evaluated: 2025-10-01. Review status: criteria provided, single submitter. Criteria: Ambry Variant Classification Scheme 2023. Collection method: clinical testing. Allele origin: germline.
Comment: The p.S2535G variant (also known as c.7603A>G), located in coding exon 15 of the APC gene, results from an A to G substitution at nucleotide position 7603. The serine at codon 2535 is replaced by glycine, an amino acid with similar properties. This amino acid position is well conserved in available vertebrate species. In addition, in silico predictors for this gene do not accurately predict pathogenicity. Missense alterations in APC are not a common cause of disease (Spier I et al. Genet Med. 2024 Feb;26(2):100992). Based on the available evidence, the clinical significance of this variant remains unclear.

Labcorp Genetics (formerly Invitae), Labcorp
Classification: Uncertain significance for Familial adenomatous polyposis 1. Last evaluated: 2024-08-05. Review status: criteria provided, single submitter. Criteria: Invitae Variant Classification Sherloc (09022015). Collection method: clinical testing. Allele origin: germline.
Comment: This sequence change replaces serine, which is neutral and polar, with glycine, which is neutral and non-polar, at codon 2535 of the APC protein (p.Ser2535Gly). This variant is present in population databases (no rsID available, gnomAD 0.003%). This variant has not been reported in the literature in individuals affected with APC-related conditions. ClinVar contains an entry for this variant (Variation ID: 957710). Advanced modeling of protein sequence and biophysical properties (such as structural, functional, and spatial information, amino acid conservation, physicochemical variation, residue mobility, and thermodynamic stability) performed at Invitae indicates that this missense variant is not expected to disrupt APC protein function with a negative predictive value of 95%. In summary, the available evidence is currently insufficient to determine the role of this variant in disease. Therefore, it has been classified as a Variant of Uncertain Significance.

Women's Health and Genetics/Laboratory Corporation of America, LabCorp
Classification: Uncertain significance. Last evaluated: 2023-03-20. Review status: criteria provided, single submitter. Criteria: LabCorp Variant Classification Summary - May 2015. Collection method: clinical testing. Allele origin: germline.
Comment: Variant summary: APC c.7603A>G (p.Ser2535Gly) results in a non-conservative amino acid change located in the Adenomatous polyposis coli protein basic domain (IPR009234) of the encoded protein sequence. Five of five in-silico tools predict a damaging effect of the variant on protein function. The variant allele was found at a frequency of 4e-06 in 250648 control chromosomes (gnomAD). The available data on variant occurrences in the general population are insufficient to allow any conclusion about variant significance. c.7603A>G has been reported in the literature in individual(s) with personal and/or family history of breast cancer (Quezada-Urban_2018). This report does not provide unequivocal conclusions about association of the variant with Familial Adenomatous Polyposis. To our knowledge, no experimental evidence demonstrating an impact on protein function has been reported. One clinical diagnostic laboratory has submitted clinical-significance assessments for this variant to ClinVar after 2014, and classified the variant as uncertain significance. Based on the evidence outlined above, the variant was classified as uncertain significance.

Literature cited by the submitters: PubMed 30262796 (cited by Women's Health and Genetics/Laboratory Corporation of America, LabCorp).

NM_000038.6(APC):c.7603A>G (p.Ser2535Gly)

Gene: APC (APC regulator of Wnt signaling pathway; plus strand). Cytogenetic location: 5q22.2.
Variant type: single nucleotide variant.
Coding change: c.7603A>G on transcript NM_000038.6 (MANE Select); coding-DNA position 7603, A replaced by G.
Protein change: p.Ser2535Gly; replaces serine 2535 with glycine.
Molecular consequence: missense variant.
Genome position (GRCh38, 1-based): chr5:112,843,197, A>G. VCF-style: chr5-112843197-A-G. GRCh37 (hg19) VCF-style: chr5-112178894-A-G.
Other names: c.7603A>G, p.Ser2535Gly (NM_001127510.3, NM_001354895.2); c.7549A>G, p.Ser2517Gly (NM_001127511.3); c.7657A>G, p.Ser2553Gly (NM_001354896.2); c.7633A>G, p.Ser2545Gly (NM_001354897.2); c.7528A>G, p.Ser2510Gly (NM_001354898.2); c.7519A>G, p.Ser2507Gly (NM_001354899.2); c.7480A>G, p.Ser2494Gly (NM_001354900.2); c.7426A>G, p.Ser2476Gly (NM_001354901.2); and 5 more; short protein forms S2252G, S2434G, S2553G, S2409G, S2494G, S2510G, S2535G, S2444G.
Identifiers: ClinVar variation 957710 (VCV000957710.14), dbSNP rs1403987270, ClinGen allele CA16037848.